The following is an entry in ClinVar:

NM_003482.4(KMT2D):c.6829C>G (p.Pro2277Ala)

Gene: KMT2D (lysine methyltransferase 2D; minus strand). Cytogenetic location: 12q13.12.
Variant type: single nucleotide variant.
Coding change: c.6829C>G on transcript NM_003482.4 (MANE Select); coding-DNA position 6829, C replaced by G.
Protein change: p.Pro2277Ala; replaces proline 2277 with alanine.
Molecular consequence: missense variant.
Genome position (GRCh38, 1-based): chr12:49,040,941, G>C on the plus strand (C>G on the coding strand, the complement: KMT2D is on the minus strand). VCF-style: chr12-49040941-G-C. GRCh37 (hg19) VCF-style: chr12-49434724-G-C.
Other names: short protein forms P2277A.
Identifiers: ClinVar variation 2851561 (VCV002851561.3), dbSNP rs2120538117, ClinGen allele CA384749534.

ClinVar aggregate classification (germline): Uncertain significance (1 of 4 stars; one submission).

Conditions:
Kabuki syndrome. Also called: Kabuki make-up syndrome; NIIKAWA-KUROKI SYNDROME. Identifiers: Orphanet 2322, MedGen C0796004, MONDO:0016512.

Submission:

Labcorp Genetics (formerly Invitae), Labcorp
Classification: Uncertain significance for Kabuki syndrome. Last evaluated: 2023-04-09. Review status: criteria provided, single submitter. Criteria: Invitae Variant Classification Sherloc (09022015). Collection method: clinical testing. Allele origin: germline.
Comment: This sequence change replaces proline, which is neutral and non-polar, with alanine, which is neutral and non-polar, at codon 2277 of the KMT2D protein (p.Pro2277Ala). This variant is not present in population databases (gnomAD no frequency). This variant has not been reported in the literature in individuals affected with KMT2D-related conditions. Advanced modeling of protein sequence and biophysical properties (such as structural, functional, and spatial information, amino acid conservation, physicochemical variation, residue mobility, and thermodynamic stability) performed at Invitae indicates that this missense variant is not expected to disrupt KMT2D protein function. In summary, the available evidence is currently insufficient to determine the role of this variant in disease. Therefore, it has been classified as a Variant of Uncertain Significance.